The following is an entry in ClinVar:

NM_001040108.2(MLH3):c.3112_3115del (p.Asn1038fs)

Gene: MLH3 (mutL homolog 3; minus strand). Cytogenetic location: 14q24.3.
Variant type: Deletion.
Coding change: c.3112_3115del on transcript NM_001040108.2 (MANE Select); coding-DNA positions 3112 to 3115, 4 bases deleted (AACA; older notation c.3112_3115delAACA).
Protein change: p.Asn1038fs; shifts the reading frame from asparagine 1038.
Molecular consequence: frameshift variant.
Genome position (GRCh38, 1-based): chr14:75,046,541-75,046,544, TGTT deleted on the plus strand (AACA on the coding strand, the reverse complement: MLH3 is on the minus strand); deleting any 4 consecutive bases within chr14:75,046,541-75,046,546 gives the same sequence; the c. name uses the placement nearest the transcript's 3' end. VCF-style (leftmost placement, unchanged base first): chr14-75046540-GTGTT-G. GRCh37 (hg19) VCF-style: chr14-75513243-GTGTT-G.
Other names: c.3112_3115del, p.Asn1038fs (NM_014381.3); short protein forms N1038fs.
Identifiers: ClinVar variation 4876099 (VCV004876099.1).

ClinVar aggregate classification (germline): Pathogenic (1 of 4 stars; one submission).

Conditions:
Colorectal cancer, hereditary nonpolyposis, type 7. Identifiers: Orphanet 144, MedGen C1858380, MONDO:0013725, OMIM 614385.

Submission:

Myriad Genetics, Inc.
Classification: Pathogenic for Colorectal cancer, hereditary nonpolyposis, type 7. Last evaluated: 2026-06-24. Review status: criteria provided, single submitter. Criteria: Myriad Autosomal Dominant, Autosomal Recessive and X-Linked Classification Criteria (2023). Collection method: clinical testing. Allele origin: unknown.
Comment: This variant is considered pathogenic. This variant creates a frameshift predicted to result in premature protein truncation.